The following is an entry in ClinVar:

NM_016507.4(CDK12):c.917G>A (p.Ser306Asn)

Genes: CDK12 (cyclin dependent kinase 12; plus strand), LOC126862553 (CDK7 strongly-dependent group 2 enhancer GRCh37_chr17:37618166-37619365; plus strand). Cytogenetic location: 17q12.
Variant type: single nucleotide variant.
Coding change: c.917G>A on transcript NM_016507.4 (MANE Select); coding-DNA position 917, G replaced by A.
Protein change: p.Ser306Asn; replaces serine 306 with asparagine.
Molecular consequence: missense variant.
Genome position (GRCh38, 1-based): chr17:39,462,988, G>A. VCF-style: chr17-39462988-G-A. GRCh37 (hg19) VCF-style: chr17-37619241-G-A.
Other names: c.917G>A, p.Ser306Asn (NM_015083.4); short protein forms S306N.
Identifiers: ClinVar variation 4224245 (VCV004224245.1).
Genomic context (GRCh38, chr17:39,462,988, plus strand): 5'-AGTCCAGCACCCGGTCACCGAGCCCCTACAGTAGGCGACAGAGATCTGTCAGTCCCTATA[G>A]CAGGAGACGGTCGTCCAGCTACGAAAGAAGTGGCTCTTACAGCGGGCGATCGCCCAGTCC-3'
Protein context (NP_057591.2, residues 296-316): SRRQRSVSPY[Ser306Asn]RRRSSSYERS

ClinVar aggregate classification (germline): Uncertain significance (1 of 4 stars; one submission).

Submission:

Ambry Genetics
Classification: Uncertain significance. Last evaluated: 2025-07-01. Review status: criteria provided, single submitter. Criteria: Ambry Variant Classification Scheme 2023. Collection method: clinical testing. Allele origin: germline.
Comment: The p.S306N variant (also known as c.917G>A), located in coding exon 1 of the CDK12 gene, results from a G to A substitution at nucleotide position 917. The serine at codon 306 is replaced by asparagine, an amino acid with highly similar properties. This amino acid position is conserved. In addition, this alteration is predicted to be tolerated by in silico analysis. Based on the available evidence, the clinical significance of this variant remains unclear.